The following is an entry in ClinVar:

NM_001875.5(CPS1):c.3335T>C (p.Leu1112Ser)

Gene: CPS1 (carbamoyl-phosphate synthase 1; plus strand). Cytogenetic location: 2q34.
Variant type: single nucleotide variant.
Coding change: c.3335T>C on transcript NM_001875.5 (MANE Select); coding-DNA position 3335, T replaced by C.
Protein change: p.Leu1112Ser; replaces leucine 1112 with serine.
Molecular consequence: missense variant. On other transcripts: non-coding transcript variant (2).
Genome position (GRCh38, 1-based): chr2:210,648,056, T>C. VCF-style: chr2-210648056-T-C. GRCh37 (hg19) VCF-style: chr2-211512780-T-C.
Other names: c.3335T>C, p.Leu1112Ser (NM_001122633.3, NM_001369257.1); c.3368T>C, p.Leu1123Ser (NM_001369256.1); short protein forms L1112S, L1123S.
Identifiers: ClinVar variation 2146366 (VCV002146366.3), dbSNP rs2469293588, ClinGen allele CA350436427.
Genomic context (GRCh38, chr2:210,648,056, plus strand): 5'-TCTCAGCTGTCTTGGATGAGCTGAAGGTGGCTCAGGCACCTTGGAAAGCTGTTAATACTT[T>C]GGTAAGGAGAGAAACAAGTATCTGTTTCTAATGTTCTATTTTGAAGAGCTGCAACCTGAA-3'
Protein context (NP_001866.2, residues 1102-1122): AQAPWKAVNT[Leu1112Ser]NEALEFAKSV

ClinVar aggregate classification (germline): Uncertain significance (1 of 4 stars; one submission).

Conditions:
Congenital hyperammonemia, type I. Also called: CPS I DEFICIENCY; Carbamoyl-phosphate synthase I deficiency; Carbamoyl phosphate synthetase I deficiency disease; Carbamoyl phosphate synthetase 1 deficiency; Hyperammonemia due to carbamoyl phosphate synthetase 1 deficiency; CPS 1 deficiency. Identifiers: Orphanet 147, MedGen C4082171, MONDO:0009376, OMIM 237300.

Submission:

Labcorp Genetics (formerly Invitae), Labcorp
Classification: Uncertain significance for Congenital hyperammonemia, type I. Last evaluated: 2024-08-05. Review status: criteria provided, single submitter. Criteria: Invitae Variant Classification Sherloc (09022015). Collection method: clinical testing. Allele origin: germline.
Comment: This sequence change replaces leucine, which is neutral and non-polar, with serine, which is neutral and polar, at codon 1112 of the CPS1 protein (p.Leu1112Ser). This variant is not present in population databases (gnomAD no frequency). This variant has not been reported in the literature in individuals affected with CPS1-related conditions. ClinVar contains an entry for this variant (Variation ID: 2146366). An algorithm developed to predict the effect of missense changes on protein structure and function (PolyPhen-2) suggests that this variant is likely to be disruptive. In summary, the available evidence is currently insufficient to determine the role of this variant in disease. Therefore, it has been classified as a Variant of Uncertain Significance.